The following is an entry in ClinVar:

NM_003719.5(PDE8B):c.798-3C>T

Gene: PDE8B (phosphodiesterase 8B; plus strand). Cytogenetic location: 5q13.3.
Variant type: single nucleotide variant.
Coding change: c.798-3C>T on transcript NM_003719.5 (MANE Select); 3 bases into the intron before coding-DNA position 798, C replaced by T.
Molecular consequence: intron variant.
Genome position (GRCh38, 1-based): chr5:77,344,850, C>T. VCF-style: chr5-77344850-C-T. GRCh37 (hg19) VCF-style: chr5-76640675-C-T.
Other names: c.426-3C>T (NM_001414622.1, NM_001414623.1, NM_001349753.2 and 3 more transcripts); c.558-3C>T (NM_001349750.3); c.555-3C>T (NM_001376069.1); c.495-3C>T (NM_001376062.1, NM_001376072.1, NM_001376070.1 and 1 more transcripts); c.492-3C>T (NM_001349752.3, NM_001376071.1); c.435-3C>T (NM_001376066.1, NM_001376074.1); c.861-3C>T (NM_001349749.3); c.798-3C>T (NM_001029852.4, NM_001376063.1, NM_001376064.1 and 2 more transcripts); and 2 more.
Identifiers: ClinVar variation 3673908 (VCV003673908.2).

ClinVar aggregate classification (germline): Uncertain significance (1 of 4 stars; one submission).

gnomAD v4.1: 2 of 1,586,170 alleles (0.00013%); highest among the groups gnomAD compares: East Asian, 0.0022%; no homozygotes.

Submission:

Labcorp Genetics (formerly Invitae), Labcorp
Classification: Uncertain significance. Last evaluated: 2024-04-22. Review status: criteria provided, single submitter. Criteria: Invitae Variant Classification Sherloc (09022015). Collection method: clinical testing. Allele origin: germline.
Comment: This sequence change falls in intron 6 of the PDE8B gene. It does not directly change the encoded amino acid sequence of the PDE8B protein. It affects a nucleotide within the consensus splice site. This variant is present in population databases (no rsID available, gnomAD 0.003%). This variant has not been reported in the literature in individuals affected with PDE8B-related conditions. Variants that disrupt the consensus splice site are a relatively common cause of aberrant splicing (PMID: 17576681, 9536098). Algorithms developed to predict the effect of sequence changes on RNA splicing suggest that this variant is not likely to affect RNA splicing. In summary, the available evidence is currently insufficient to determine the role of this variant in disease. Therefore, it has been classified as a Variant of Uncertain Significance.

Literature cited by the submitters: PubMed 17576681; PubMed 9536098.